The following is an entry in ClinVar:

NM_000525.4(KCNJ11):c.47G>A (p.Arg16His)

Gene: KCNJ11 (potassium inwardly rectifying channel subfamily J member 11; minus strand). Cytogenetic location: 11p15.1.
Variant type: single nucleotide variant.
Coding change: c.47G>A on transcript NM_000525.4 (MANE Select); coding-DNA position 47, G replaced by A.
Protein change: p.Arg16His; replaces arginine 16 with histidine.
Molecular consequence: missense variant. On other transcripts: 5 prime UTR variant (1), intron variant (2).
Genome position (GRCh38, 1-based): chr11:17,388,045, C>T on the plus strand (G>A on the coding strand, the complement: KCNJ11 is on the minus strand). VCF-style: chr11-17388045-C-T. GRCh37 (hg19) VCF-style: chr11-17409592-C-T.
Other names: c.-44G>A (NM_001377296.1); c.-16-199G>A (NM_001166290.2, NM_001377297.1); short protein forms R16H.
Identifiers: ClinVar variation 441000 (VCV000441000.7), dbSNP rs770609243, ClinGen allele CA5902342.

ClinVar aggregate classification (germline): Uncertain significance. Review status: criteria provided, multiple submitters, no conflicts (2 of 4 stars). 3 submissions from 3 submitters: Uncertain significance (3). Last evaluated 2024-06-18.

Conditions:
Type 2 diabetes mellitus. Also called: Type II diabetes mellitus. Identifiers: MedGen C0011860, MeSH D003924, MONDO:0005148, OMIM 125853, HP:0005978.
Maturity-onset diabetes of the young type 13. Also called: MODY, TYPE 13. Identifiers: Orphanet 552, MedGen C4225365, MONDO:0014589, OMIM 616329.
Diabetes mellitus, permanent neonatal 2. Also called: KCNJ11-Related Permanent Neonatal Diabetes Mellitus. Identifiers: MedGen C5394296, MONDO:0030087, OMIM 618856.
Diabetes mellitus, transient neonatal, 3 (TNDM3). Identifiers: Orphanet 99886, MedGen C1864623, MONDO:0012522, OMIM 610582. Disease mechanism: loss of function.
Hyperinsulinemic hypoglycemia, familial, 2. Also called: HYPERINSULINEMIC HYPOGLYCEMIA, PERSISTENT; HYPERINSULINISM, NEONATAL. Identifiers: Orphanet 276580, Orphanet 276603, MedGen C2931833, MONDO:0011153, OMIM 601820. Disease mechanism: loss of function.
Maturity-onset diabetes of the young (MODY). Also called: Maturity onset diabetes mellitus in young. Identifiers: Orphanet 552, MedGen C0342276, MONDO:0018911, HP:0004904.

Allele frequency attached by ClinVar (database versions not stated): ExAC 0.00001; gnomAD exomes 0.00001; gnomAD 0.00003; TOPMed 0.00003.

Submissions (3):

Fulgent Genetics
Classification: Uncertain significance for Type 2 diabetes mellitus; Hyperinsulinemic hypoglycemia, familial, 2; Diabetes mellitus, transient neonatal, 3; Maturity-onset diabetes of the young type 13; Diabetes mellitus, permanent neonatal 2. Last evaluated: 2024-06-18. Review status: criteria provided, single submitter. Criteria: ACMG Guidelines, 2015. Collection method: clinical testing. Allele origin: germline.

Labcorp Genetics (formerly Invitae), Labcorp
Classification: Uncertain significance. Last evaluated: 2021-10-05. Review status: criteria provided, single submitter. Criteria: Invitae Variant Classification Sherloc (09022015). Collection method: clinical testing. Allele origin: germline.
Comment: This sequence change replaces arginine with histidine at codon 16 of the KCNJ11 protein (p.Arg16His). The arginine residue is highly conserved and there is a small physicochemical difference between arginine and histidine. This variant is present in population databases (rs770609243, ExAC 0.006%). This variant has not been reported in the literature in individuals with KCNJ11-related disease. ClinVar contains an entry for this variant (Variation ID: 441000). Algorithms developed to predict the effect of missense changes on protein structure and function are either unavailable or do not agree on the potential impact of this missense change (SIFT: "Deleterious"; PolyPhen-2: "Probably Damaging"; Align-GVGD: "Class C0"). In summary, the available evidence is currently insufficient to determine the role of this variant in disease. Therefore, it has been classified as a Variant of Uncertain Significance.

Clinical Genomics, Uppaluri K&H Personalized Medicine Clinic
Classification: Uncertain significance for Maturity-onset diabetes of the young. Review status: criteria provided, single submitter. Criteria: K&H Uppaluri Personalized Medicine Clinic Variant Classification & Assertion Criteria. Collection method: research. Allele origin: somatic. Inheritance: Autosomal dominant inheritance.
Comment: Mutations in KCNJ11 gene can cause decreased production and secretion of insulin. This can lead to MODY which may be responsive to oral sulfonylureas. It is also associated with with Neonatal Diabetes. However, no sufficient evidence is found to ascertain the role of rs770609243 variant in MODY yet.

Literature cited by the submitters: PubMed 26448950 (cited by Clinical Genomics, Uppaluri K&H Personalized Medicine Clinic); PubMed 15580558 (cited by Clinical Genomics, Uppaluri K&H Personalized Medicine Clinic); PubMed 15718250 (cited by Clinical Genomics, Uppaluri K&H Personalized Medicine Clinic); PubMed 32935446 (cited by Clinical Genomics, Uppaluri K&H Personalized Medicine Clinic); PubMed 22701567 (cited by Clinical Genomics, Uppaluri K&H Personalized Medicine Clinic).